The following is an entry in ClinVar:

NM_006904.7(PRKDC):c.1952A>G (p.Tyr651Cys)

Gene: PRKDC (protein kinase, DNA-activated, catalytic subunit; minus strand). Cytogenetic location: 8q11.21.
Variant type: single nucleotide variant.
Coding change: c.1952A>G on transcript NM_006904.7 (MANE Select); coding-DNA position 1952, A replaced by G.
Protein change: p.Tyr651Cys; replaces tyrosine 651 with cysteine.
Molecular consequence: missense variant.
Genome position (GRCh38, 1-based): chr8:47,929,953, T>C on the plus strand (A>G on the coding strand, the complement: PRKDC is on the minus strand). VCF-style: chr8-47929953-T-C. GRCh37 (hg19) VCF-style: chr8-48842513-T-C.
Other names: c.1952A>G, p.Tyr651Cys (NM_001081640.2); short protein forms Y651C.
Identifiers: ClinVar variation 1783256 (VCV001783256.5), dbSNP rs2551878630, ClinGen allele CA371164290.
Genomic context (GRCh38, chr8:47,929,953, plus strand): 5'-GAAAGCAATTTGTAGAAACCACTGATGAGGGGCAACCTTGTAGATTGCAAAATTAATTCA[T>C]ATGAAAATGAGTACACCCATGGTTCAAAAAATTCTGCTTGTTTCTCAGGGAGAATCTCTC-3'
Protein context (NP_008835.5, residues 641-661): FFEPWVYSFS[Tyr651Cys]ELILQSTRLP

ClinVar aggregate classification (germline): Uncertain significance. Review status: criteria provided, multiple submitters, no conflicts (2 of 4 stars). 2 submissions from 2 submitters: Uncertain significance (2). Last evaluated 2023-02-21.

Conditions:
Severe combined immunodeficiency due to DNA-PKcs deficiency. Also called: Immunodeficiency 26 with or without neurologic abnormalities; IMMUNODEFICIENCY 26 WITH NEUROLOGIC ABNORMALITIES. Identifiers: Orphanet 317425, MedGen C4014833, MONDO:0014423, OMIM 615966.

Submissions (2):

Labcorp Genetics (formerly Invitae), Labcorp
Classification: Uncertain significance for Severe combined immunodeficiency due to DNA-PKcs deficiency. Last evaluated: 2023-02-21. Review status: criteria provided, single submitter. Criteria: Invitae Variant Classification Sherloc (09022015). Collection method: clinical testing. Allele origin: germline.
Comment: In summary, the available evidence is currently insufficient to determine the role of this variant in disease. Therefore, it has been classified as a Variant of Uncertain Significance. Advanced modeling of protein sequence and biophysical properties (such as structural, functional, and spatial information, amino acid conservation, physicochemical variation, residue mobility, and thermodynamic stability) performed at Invitae indicates that this missense variant is expected to disrupt PRKDC protein function. ClinVar contains an entry for this variant (Variation ID: 1783256). This variant has not been reported in the literature in individuals affected with PRKDC-related conditions. This variant is not present in population databases (gnomAD no frequency). This sequence change replaces tyrosine, which is neutral and polar, with cysteine, which is neutral and slightly polar, at codon 651 of the PRKDC protein (p.Tyr651Cys).

Ambry Genetics
Classification: Uncertain significance. Last evaluated: 2022-06-20. Review status: criteria provided, single submitter. Criteria: Ambry Variant Classification Scheme 2023. Collection method: clinical testing. Allele origin: germline.
Comment: The p.Y651C variant (also known as c.1952A>G), located in coding exon 18 of the PRKDC gene, results from an A to G substitution at nucleotide position 1952. The tyrosine at codon 651 is replaced by cysteine, an amino acid with highly dissimilar properties. This amino acid position is conserved. In addition, this alteration is predicted to be tolerated by in silico analysis. Since supporting evidence is limited at this time, the clinical significance of this alteration remains unclear.